The following is an entry in ClinVar:

NM_001367721.1(CASK):c.1432G>A (p.Gly478Arg)

Gene: CASK (calcium/calmodulin dependent serine protein kinase; minus strand). Cytogenetic location: Xp11.4.
Variant type: single nucleotide variant.
Coding change: c.1432G>A on transcript NM_001367721.1 (MANE Select); coding-DNA position 1432, G replaced by A.
Protein change: p.Gly478Arg; replaces glycine 478 with arginine.
Molecular consequence: missense variant.
Genome position (GRCh38, 1-based): chrX:41,578,411, C>T on the plus strand (G>A on the coding strand, the complement: CASK is on the minus strand). VCF-style: chrX-41578411-C-T. GRCh37 (hg19) VCF-style: chrX-41437664-C-T.
Other names: c.1432G>A, p.Gly478Arg (NM_001126054.3, NM_003688.4); c.1414G>A, p.Gly472Arg (NM_001126055.3, NM_001410745.1); short protein forms G478R, G472R.
Identifiers: ClinVar variation 946755 (VCV000946755.10), dbSNP rs771717545, ClinGen allele CA10390205.

ClinVar aggregate classification (germline): Uncertain significance. Review status: criteria provided, multiple submitters, no conflicts (2 of 4 stars). 2 submissions from 2 submitters: Uncertain significance (2). Last evaluated 2024-10-08.

Conditions:
Inborn genetic diseases. Identifiers: MedGen C0950123, MeSH D030342.
Intellectual disability, CASK-related, X-linked. Identifiers: MedGen CN043158.

Allele frequency attached by ClinVar (database versions not stated): gnomAD exomes below 0.00001 and 0.00001; ExAC 0.00001.
gnomAD v4.1: 5 of 1,206,638 alleles (0.00041%); highest among the groups gnomAD compares: East Asian, 0.0059%; no homozygotes.

Submissions (2):

Ambry Genetics
Classification: Uncertain significance for Inborn genetic diseases. Last evaluated: 2024-10-08. Review status: criteria provided, single submitter. Criteria: Ambry Variant Classification Scheme 2023. Collection method: clinical testing. Allele origin: germline.

Labcorp Genetics (formerly Invitae), Labcorp
Classification: Uncertain significance for Intellectual disability, CASK-related, X-linked. Last evaluated: 2020-06-12. Review status: criteria provided, single submitter. Criteria: Invitae Variant Classification Sherloc (09022015). Collection method: clinical testing. Allele origin: germline.
Comment: This sequence change replaces glycine with arginine at codon 478 of the CASK protein (p.Gly478Arg). The glycine residue is highly conserved and there is a moderate physicochemical difference between glycine and arginine. This variant is present in population databases (rs771717545, ExAC 0.02%). In summary, the available evidence is currently insufficient to determine the role of this variant in disease. Therefore, it has been classified as a Variant of Uncertain Significance. Algorithms developed to predict the effect of missense changes on protein structure and function (SIFT, PolyPhen-2, Align-GVGD) all suggest that this variant is likely to be disruptive, but these predictions have not been confirmed by published functional studies and their clinical significance is uncertain. This variant has been observed in one or more individuals who were not affected with epilepsy (Invitae).